The following is an entry in ClinVar:

NM_021155.4(CD209):c.600G>A (p.Lys200=)

Gene: CD209 (CD209 molecule; minus strand). Cytogenetic location: 19p13.2.
Variant type: single nucleotide variant.
Coding change: c.600G>A on transcript NM_021155.4 (MANE Select); coding-DNA position 600, G replaced by A.
Protein change: p.Lys200=; no amino-acid change (lysine 200 retained).
Molecular consequence: synonymous variant. On other transcripts: non-coding transcript variant (1), intron variant (3).
Genome position (GRCh38, 1-based): chr19:7,745,666, C>T on the plus strand (G>A on the coding strand, the complement: CD209 is on the minus strand). VCF-style: chr19-7745666-C-T. GRCh37 (hg19) VCF-style: chr19-7810552-C-T.
Other names: c.468G>A, p.Lys156= (NM_001144894.2); c.528G>A, p.Lys176= (NM_001144896.2); c.600G>A, p.Lys200= (NM_001144897.2); c.340+128G>A (NM_001144893.2); c.265+335G>A (NM_001144899.2); c.472+128G>A (NM_001144895.2).
Identifiers: ClinVar variation 2649175 (VCV002649175.24), dbSNP rs2033787307, ClinGen allele CA505408398.

ClinVar aggregate classification (germline): Likely benign (1 of 4 stars; one submission).

Submission:

CeGaT Center for Human Genetics Tuebingen
Classification: Likely benign. Last evaluated: 2023-01-01. Review status: criteria provided, single submitter. Criteria: CeGaT Center For Human Genetics Tuebingen Variant Classification Criteria Version 2. Collection method: clinical testing. Allele origin: germline. Affected: yes. Observed: 1 variant allele.
Comment: CD209: PM2:Supporting, BP4, BP7